The following is an entry in ClinVar:

NM_021930.6(RINT1):c.1090T>C (p.Ser364Pro)

Gene: RINT1 (RAD50 interactor 1; plus strand). Cytogenetic location: 7q22.3.
Variant type: single nucleotide variant.
Coding change: c.1090T>C on transcript NM_021930.6 (MANE Select); coding-DNA position 1090, T replaced by C.
Protein change: p.Ser364Pro; replaces serine 364 with proline.
Molecular consequence: missense variant. On other transcripts: non-coding transcript variant (1).
Genome position (GRCh38, 1-based): chr7:105,550,148, T>C. VCF-style: chr7-105550148-T-C. GRCh37 (hg19) VCF-style: chr7-105190595-T-C.
Other names: c.856T>C, p.Ser286Pro (NM_001346599.2); c.67T>C, p.Ser23Pro (NM_001346600.2, NM_001346603.2); c.166T>C, p.Ser56Pro (NM_001346601.2); short protein forms S23P, S56P, S286P, S364P.
Identifiers: ClinVar variation 1789299 (VCV001789299.2), dbSNP rs2485132250, ClinGen allele CA368808581.

ClinVar aggregate classification (germline): Uncertain significance (1 of 4 stars; one submission).

Allele frequency attached by ClinVar (database versions not stated): gnomAD exomes 0.00001.
gnomAD v4.1: 7 of 1,613,326 alleles (0.00043%); highest among the groups gnomAD compares: Non-Finnish European, 0.00059%; no homozygotes.

Submission:

Ambry Genetics
Classification: Uncertain significance. Last evaluated: 2022-02-07. Review status: criteria provided, single submitter. Criteria: Ambry Variant Classification Scheme 2023. Collection method: clinical testing. Allele origin: germline.
Comment: The p.S364P variant (also known as c.1090T>C), located in coding exon 8 of the RINT1 gene, results from a T to C substitution at nucleotide position 1090. The serine at codon 364 is replaced by proline, an amino acid with similar properties. This amino acid position is conserved. In addition, this alteration is predicted to be tolerated by in silico analysis. Since supporting evidence is limited at this time, the clinical significance of this alteration remains unclear.